The following is an entry in ClinVar:

ClinVar aggregate classification (germline): Conflicting classifications of pathogenicity. Review status: criteria provided, conflicting classifications (1 of 4 stars). 6 submissions from 6 submitters: Uncertain significance (5); Likely benign (1). Last evaluated 2026-02-25.

Conditions:
Retinal dystrophy. Also called: Inherited retinal dystrophy. Identifiers: Orphanet 71862, MedGen C0854723, MeSH D058499, MONDO:0019118, HP:0000556.
IFT172-related disorder. Also called: IFT172-related condition; IFT172-related disorders.
Retinitis pigmentosa 71 (RP71). Identifiers: Orphanet 791, MedGen C4225342, MONDO:0014618, OMIM 616394.
Short-rib thoracic dysplasia 10 with or without polydactyly (SRTD10). Identifiers: Orphanet 474, MedGen C3810175, MONDO:0014284, OMIM 615630.
Bardet-Biedl syndrome 20. Identifiers: MedGen C4310707, MONDO:0023670, OMIM 619471, MONDO:0014926.

Allele frequency attached by ClinVar (database versions not stated): gnomAD 0.00007 and 0.00009; gnomAD exomes 0.00010 and 0.00012; TOPMed 0.00011; ExAC 0.00012; 1000 Genomes Project 0.00060; 1000 Genomes Project 30x 0.00078.
gnomAD v4.1: 157 of 1,614,092 alleles (0.0097%); highest among the groups gnomAD compares: East Asian, 0.12%; 1 homozygote.

Submissions (6):

PreventionGenetics, part of Exact Sciences
Classification: Likely benign for IFT172-related condition. Last evaluated: 2026-02-25. Review status: criteria provided, single submitter. Criteria: ACMG Guidelines, 2015. Collection method: clinical testing. Allele origin: germline.
Comment: This variant is classified as likely benign based on ACMG/AMP sequence variant interpretation guidelines (Richards et al. 2015 PMID: 25741868, with internal and published modifications).

Blueprint Genetics
Classification: Uncertain significance. Last evaluated: 2024-10-22. Review status: criteria provided, single submitter. Criteria: ACMG Guidelines, 2015. Collection method: clinical testing. Allele origin: germline.

Labcorp Genetics (formerly Invitae), Labcorp
Classification: Uncertain significance for Retinitis pigmentosa 71; Short-rib thoracic dysplasia 10 with or without polydactyly. Last evaluated: 2024-10-21. Review status: criteria provided, single submitter. Criteria: Invitae Variant Classification Sherloc (09022015). Collection method: clinical testing. Allele origin: germline.
Comment: This sequence change replaces alanine, which is neutral and non-polar, with threonine, which is neutral and polar, at codon 890 of the IFT172 protein (p.Ala890Thr). This variant is present in population databases (rs202216329, gnomAD 0.1%). This variant has not been reported in the literature in individuals affected with IFT172-related conditions. ClinVar contains an entry for this variant (Variation ID: 838270). Invitae Evidence Modeling of protein sequence and biophysical properties (such as structural, functional, and spatial information, amino acid conservation, physicochemical variation, residue mobility, and thermodynamic stability) indicates that this missense variant is expected to disrupt IFT172 protein function with a positive predictive value of 95%. In summary, the available evidence is currently insufficient to determine the role of this variant in disease. Therefore, it has been classified as a Variant of Uncertain Significance.

Dept Of Ophthalmology, Nagoya University
Classification: Uncertain significance for Retinal dystrophy. Last evaluated: 2023-10-01. Review status: criteria provided, single submitter. Criteria: Submitter's publication. Collection method: research. Allele origin: germline. Affected: yes.

GeneDx
Classification: Uncertain significance. Last evaluated: 2022-05-23. Review status: criteria provided, single submitter. Criteria: GeneDx Variant Classification Process June 2021. Collection method: clinical testing. Allele origin: germline. Affected: yes.
Comment: In silico analysis supports that this missense variant has a deleterious effect on protein structure/function; Has not been previously published as pathogenic or benign germline variant to our knowledge; This variant is associated with the following publications: (PMID: 27093186)

Fulgent Genetics
Classification: Uncertain significance for Short-rib thoracic dysplasia 10 with or without polydactyly; Retinitis pigmentosa 71; Bardet-Biedl syndrome 20. Last evaluated: 2022-03-30. Review status: criteria provided, single submitter. Criteria: ACMG Guidelines, 2015. Collection method: clinical testing. Allele origin: unknown.

NM_015662.3(IFT172):c.2668G>A (p.Ala890Thr)

Genes: IFT172 (intraflagellar transport 172; minus strand), LOC126806174 (CDK7 strongly-dependent group 2 enhancer GRCh37_chr2:27681686-27682885; plus strand). Cytogenetic location: 2p23.3.
Variant type: single nucleotide variant.
Coding change: c.2668G>A on transcript NM_015662.3 (MANE Select); coding-DNA position 2668, G replaced by A.
Protein change: p.Ala890Thr; replaces alanine 890 with threonine.
Molecular consequence: missense variant.
Genome position (GRCh38, 1-based): chr2:27,459,497, C>T on the plus strand (G>A on the coding strand, the complement: IFT172 is on the minus strand). VCF-style: chr2-27459497-C-T. GRCh37 (hg19) VCF-style: chr2-27682364-C-T.
Other names: short protein forms A890T.
Identifiers: ClinVar variation 838270 (VCV000838270.17), dbSNP rs202216329, ClinGen allele CA1580217.
Genomic context (GRCh38, chr2:27,459,497, plus strand): 5'-TGTTCCGGTCCTGTAGATCTAATATATAAATTGCCTTCTTCCACTGGCGGGCACCCAGGG[C>T]GGCCTCAATTGCCTTAATGGAGCACCTGGCAAAGTTGGGAAAGATATAAATATGTAGGAT-3'
Protein context (NP_056477.1, residues 880-900): ARCSIKAIEA[Ala890Thr]LGARQWKKAI